The following is an entry in ClinVar:

NM_000492.4(CFTR):c.19del (p.Glu7fs)

Gene: CFTR (CF transmembrane conductance regulator; plus strand). Cytogenetic location: 7q31.2.
Variant type: Deletion.
Coding change: c.19del on transcript NM_000492.4 (MANE Select); coding-DNA position 19, one base deleted (G; older notation c.19delG).
Protein change: p.Glu7fs; shifts the reading frame from glutamic acid 7.
Molecular consequence: frameshift variant.
Genome position (GRCh38, 1-based): chr7:117,480,113, G deleted; the last of 2 consecutive G bases (chr7:117,480,112-117,480,113); deleting either gives the same sequence. VCF-style (leftmost placement, unchanged base first): chr7-117480111-TG-T. GRCh37 (hg19) VCF-style: chr7-117120165-TG-T.
Other names: c.19delG, p.Glu7Lysfs (NM_000492.3); short protein forms E7fs.
Identifiers: ClinVar variation 4818494 (VCV004818494.1).

ClinVar aggregate classification (germline): Likely pathogenic (1 of 4 stars; one submission).

Conditions:
CFTR-related disorder (CFTR-RD). Also called: CFTR-related disorders; CFTR-related condition. Identifiers: MedGen C5924204, MONDO:7770004.

Submission:

Natera, Inc.
Classification: Likely pathogenic for CFTR-related disorders. Last evaluated: 2025-06-23. Review status: criteria provided, single submitter. Criteria: Natera Variant Classification Schema (03/2026). Collection method: clinical testing. Allele origin: germline.
Comment: The c.19del variant in CFTR is a frameshift variant predicted to shift the reading frame beginning at codon 7 and leads to a stop codon 18 codons downstream. This variant is expected to result in nonsense mediated decay, truncation, or a dysfunctional protein product. This variant is rare in the general population with a frequency below the threshold expected for the associated phenotype(s). Given the available evidence, this variant is classified as Likely Pathogenic.